The following is an entry in ClinVar:

NM_033116.6(NEK9):c.500T>C (p.Ile167Thr)

Gene: NEK9 (NIMA related kinase 9; minus strand). Cytogenetic location: 14q24.3.
Variant type: single nucleotide variant.
Coding change: c.500T>C on transcript NM_033116.6 (MANE Select); coding-DNA position 500, T replaced by C.
Protein change: p.Ile167Thr; replaces isoleucine 167 with threonine.
Molecular consequence: missense variant.
Genome position (GRCh38, 1-based): chr14:75,120,534, A>G on the plus strand (T>C on the coding strand, the complement: NEK9 is on the minus strand). VCF-style: chr14-75120534-A-G. GRCh37 (hg19) VCF-style: chr14-75587237-A-G.
Other names: c.500T>C, p.Ile167Thr (NM_001329237.2); c.146T>C, p.Ile49Thr (NM_001329238.2); short protein forms I167T, I49T.
Identifiers: ClinVar variation 243002 (VCV000243002.2), dbSNP rs879253775, ClinGen allele CA10584050.
Genomic context (GRCh38, chr14:75,120,534, plus strand): 5'-GGGAAGAATCCATCCATAATTTTTTTTACTTCTTACCTATGAAGGATTCCAGCTTTATGG[A>G]TGCAGCTCACTGCTGAAACAATCTGAAATAGGTACCACACCACCATCTGCAGAGAAAAAA-3'
Protein context (NP_149107.4, residues 157-177): LFQIVSAVSC[Ile167Thr]HKAGILHRDI

ClinVar aggregate classification (germline): Likely pathogenic. Review status: criteria provided, single submitter (1 of 4 stars). 2 submissions from 2 submitters: Likely pathogenic (1). 1 of the submissions does not count toward it. Last evaluated 2025-10-17.

Conditions:
Nevus comedonicus syndrome. Also called: Nevus comedonicus. Identifiers: Orphanet 64754, MedGen C0265987, MONDO:0014873, OMIM 617025, HP:0020154.

Submissions (2):

Clinical Genomics Laboratory, Washington University in St. Louis
Classification: Likely pathogenic for Nevus comedonicus syndrome. Last evaluated: 2025-10-17. Review status: criteria provided, single submitter. Criteria: Leon-Quintero et al. (Clin Genet. 2025). Collection method: clinical testing. Allele origin: somatic. Affected: yes.
Comment: A NEK9 c.500T>C (p.Ile167Thr) variant was identified at an allelic fraction consistent with somatic origin. This variant has been identified in the literature in an individual with nevus comedonicus (Levinsohn JL et al., PMID: 27153399). It is absent from the general population (gnomAD v4.1.0), indicating it is not a common variant and resides within a region, the kinase domain of NEK9 that is defined as a critical functional domain. Furthermore, this variant has been described as a gain-of-function somatic mutation that drives the pathogenesis of nevus comedonicus syndrome by constitutively activating NEK9 kinase activity (Levinsohn JL et al., PMID: 27153399). Computational predictors indicate that the variant is damaging, evidence that correlates with impact to NEK9 function. Based on available information and an internally developed protocol informed by the ACMG/AMP guidelines for variant interpretation and gene-specific practices from the ClinGen Criteria Specification Registry (Leon-Quintero FZ et al., PMID: 39434542), the NEK9 c.500T>C (p.Ile167Thr) variant is classified as likely pathogenic.

OMIM
Classification: Pathogenic for NEVUS COMEDONICUS, SOMATIC. Last evaluated: 2016-07-12. Review status: no assertion criteria provided. Collection method: literature only. Allele origin: somatic. Not counted in ClinVar's aggregate classification.

Literature cited by the submitters: PubMed 27153399 (cited by OMIM).